The following is an entry in ClinVar:

ClinVar aggregate classification (germline): Uncertain significance. Review status: criteria provided, multiple submitters, no conflicts (2 of 4 stars). 4 submissions from 4 submitters: Uncertain significance (3). 1 of the submissions does not count toward it. Last evaluated 2024-03-19.

Conditions:
Familial dysautonomia. Also called: HSAN III; FD. Identifiers: Orphanet 1764, MedGen C0013364, MONDO:0009131, OMIM 223900. Disease mechanism: loss of function.
Medulloblastoma (MDB). Also called: Medulloblastoma, somatic; MEDULLOBLASTOMA PREDISPOSITION SYNDROME. Identifiers: Orphanet 616, MedGen C0025149, MeSH D008527, MONDO:0007959, OMIM 155255, HP:0002885.

Allele frequency attached by ClinVar (database versions not stated): ESP Exome Variant Server 0.00008; gnomAD 0.00010; TOPMed 0.00011; 1000 Genomes Project 30x 0.00016; 1000 Genomes Project 0.00020.
gnomAD v4.1: 33 of 1,614,186 alleles (0.002%); highest among the groups gnomAD compares: African/African-American, 0.025%; no homozygotes.

Submissions (4):

Ambry Genetics
Classification: Uncertain significance. Last evaluated: 2024-03-19. Review status: criteria provided, single submitter. Criteria: Ambry Variant Classification Scheme 2023. Collection method: clinical testing. Allele origin: germline.

Fulgent Genetics
Classification: Uncertain significance for Medulloblastoma; Familial dysautonomia. Last evaluated: 2024-01-13. Review status: criteria provided, single submitter. Criteria: ACMG Guidelines, 2015. Collection method: clinical testing. Allele origin: germline.

Labcorp Genetics (formerly Invitae), Labcorp
Classification: Uncertain significance. Last evaluated: 2022-01-29. Review status: criteria provided, single submitter. Criteria: Invitae Variant Classification Sherloc (09022015). Collection method: clinical testing. Allele origin: germline.
Comment: This sequence change replaces arginine, which is basic and polar, with glutamine, which is neutral and polar, at codon 1198 of the ELP1 protein (p.Arg1198Gln). This variant is present in population databases (rs200322331, gnomAD 0.05%). This variant has not been reported in the literature in individuals affected with ELP1-related conditions. ClinVar contains an entry for this variant (Variation ID: 969880). Algorithms developed to predict the effect of missense changes on protein structure and function are either unavailable or do not agree on the potential impact of this missense change (SIFT: "Deleterious"; PolyPhen-2: "Probably Damaging"; Align-GVGD: "Class C0"). In summary, the available evidence is currently insufficient to determine the role of this variant in disease. Therefore, it has been classified as a Variant of Uncertain Significance.

Natera, Inc.
Classification: Uncertain significance for Familial dysautonomia. Last evaluated: 2020-08-21. Review status: no assertion criteria provided. Collection method: clinical testing. Allele origin: germline. Not counted in ClinVar's aggregate classification.

NM_003640.5(ELP1):c.3593G>A (p.Arg1198Gln)

Gene: ELP1 (elongator acetyltransferase complex subunit 1; minus strand). Cytogenetic location: 9q31.3.
Variant type: single nucleotide variant.
Coding change: c.3593G>A on transcript NM_003640.5 (MANE Select); coding-DNA position 3593, G replaced by A.
Protein change: p.Arg1198Gln; replaces arginine 1198 with glutamine.
Molecular consequence: missense variant.
Genome position (GRCh38, 1-based): chr9:108,878,730, C>T on the plus strand (G>A on the coding strand, the complement: ELP1 is on the minus strand). VCF-style: chr9-108878730-C-T. GRCh37 (hg19) VCF-style: chr9-111641010-C-T.
Other names: c.3251G>A, p.Arg1084Gln (NM_001318360.2); c.2546G>A, p.Arg849Gln (NM_001330749.2); short protein forms R849Q, R1084Q, R1198Q.
Identifiers: ClinVar variation 969880 (VCV000969880.10), dbSNP rs200322331, ClinGen allele CA5174235.